The following is an entry in ClinVar:

NM_000159.4(GCDH):c.-35+17_-35+19delinsGG

Genes: GCDH (glutaryl-CoA dehydrogenase; plus strand), LOC117125594 (CRISPRi-FlowFISH-validated KLF1 regulatory element; plus strand). Cytogenetic location: 19p13.13.
Variant type: Indel.
Coding change: c.-35+17_-35+19delinsGG on transcript NM_000159.4 (MANE Select); bases 17 to 19 of the intron after 35 bases upstream of the start codon, AGC replaced by GG.
Molecular consequence: intron variant.
Genome position (GRCh38, 1-based): chr19:12,891,219-12,891,221, AGC replaced by GG. VCF-style: chr19-12891219-AGC-GG. GRCh37 (hg19) VCF-style: chr19-13002033-AGC-GG.
Other names: c.-35+17_-35+19delinsGG (NM_013976.5).
Identifiers: ClinVar variation 508017 (VCV000508017.1), dbSNP rs1555748835, ClinGen allele CA658799154.

ClinVar aggregate classification (germline): Likely benign (1 of 4 stars; one submission).

Submission:

GeneDx
Classification: Likely benign. Last evaluated: 2017-03-10. Review status: criteria provided, single submitter. Criteria: GeneDx Variant Classification (06012015). Collection method: clinical testing. Allele origin: germline. Affected: yes.
Comment: This variant is considered likely benign or benign based on one or more of the following criteria: it is a conservative change, it occurs at a poorly conserved position in the protein, it is predicted to be benign by multiple in silico algorithms, and/or has population frequency not consistent with disease.